The following is an entry in ClinVar:

ClinVar aggregate classification (germline): Likely benign. Review status: criteria provided, multiple submitters, no conflicts (2 of 4 stars). 2 submissions from 2 submitters: Likely benign (2). Last evaluated 2026-02-01.

Conditions:
Inborn genetic diseases. Identifiers: MedGen C0950123, MeSH D030342.

Submissions (2):

CeGaT Center for Human Genetics Tuebingen
Classification: Likely benign. Last evaluated: 2026-02-01. Review status: criteria provided, single submitter. Criteria: CeGaT Center For Human Genetics Tuebingen Variant Classification Criteria Version 2. Collection method: clinical testing. Allele origin: germline. Affected: yes. Observed: 1 variant allele.
Comment: HERC2: BP4, BS1:Supporting

Ambry Genetics
Classification: Likely benign for Inborn genetic diseases. Last evaluated: 2024-04-18. Review status: criteria provided, single submitter. Criteria: Ambry Variant Classification Scheme 2023. Collection method: clinical testing. Allele origin: germline.

NM_004667.6(HERC2):c.7334C>G (p.Pro2445Arg)

Gene: HERC2 (HECT and RLD domain containing E3 ubiquitin protein ligase 2; minus strand). Cytogenetic location: 15q13.1.
Variant type: single nucleotide variant.
Coding change: c.7334C>G on transcript NM_004667.6 (MANE Select); coding-DNA position 7334, C replaced by G.
Protein change: p.Pro2445Arg; replaces proline 2445 with arginine.
Molecular consequence: missense variant.
Genome position (GRCh38, 1-based): chr15:28,202,493, G>C on the plus strand (C>G on the coding strand, the complement: HERC2 is on the minus strand). VCF-style: chr15-28202493-G-C. GRCh37 (hg19) VCF-style: chr15-28447639-G-C.
Other names: short protein forms P2445R.
Identifiers: ClinVar variation 3284061 (VCV003284061.5).